The following is an entry in ClinVar:

NM_006904.7(PRKDC):c.1144G>A (p.Asp382Asn)

Gene: PRKDC (protein kinase, DNA-activated, catalytic subunit; minus strand). Cytogenetic location: 8q11.21.
Variant type: single nucleotide variant.
Coding change: c.1144G>A on transcript NM_006904.7 (MANE Select); coding-DNA position 1144, G replaced by A.
Protein change: p.Asp382Asn; replaces aspartic acid 382 with asparagine.
Molecular consequence: missense variant.
Genome position (GRCh38, 1-based): chr8:47,936,487, C>T on the plus strand (G>A on the coding strand, the complement: PRKDC is on the minus strand). VCF-style: chr8-47936487-C-T. GRCh37 (hg19) VCF-style: chr8-48849047-C-T.
Other names: c.1144G>A, p.Asp382Asn (NM_001081640.2); short protein forms D382N.
Identifiers: ClinVar variation 2626368 (VCV002626368.2), dbSNP rs2551879746, ClinGen allele CA371166338.

ClinVar aggregate classification (germline): Uncertain significance (1 of 4 stars; one submission).

Submission:

Ambry Genetics
Classification: Uncertain significance. Last evaluated: 2023-09-13. Review status: criteria provided, single submitter. Criteria: Ambry Variant Classification Scheme 2023. Collection method: clinical testing. Allele origin: germline.
Comment: The p.D382N variant (also known as c.1144G>A), located in coding exon 12 of the PRKDC gene, results from a G to A substitution at nucleotide position 1144. The aspartic acid at codon 382 is replaced by asparagine, an amino acid with highly similar properties. This amino acid position is conserved. In addition, this alteration is predicted to be tolerated by in silico analysis. Since supporting evidence is limited at this time, the clinical significance of this alteration remains unclear.